The following is an entry in ClinVar:

ClinVar aggregate classification (germline): Pathogenic/Likely pathogenic. Review status: criteria provided, multiple submitters, no conflicts (2 of 4 stars). 6 submissions from 6 submitters: Pathogenic (2); Likely pathogenic (4). Last evaluated 2025-08-07.

Conditions:
Chuvash polycythemia. Also called: POLYCYTHEMIA, VHL-DEPENDENT. Identifiers: Orphanet 238557, MedGen C1837915, MONDO:0009892, OMIM 263400.
Von Hippel-Lindau syndrome (VHLS). Also called: Von Hippel-Lindau; VHL syndrome; von Hippel–Lindau syndrome. Identifiers: Orphanet 892, MedGen C0019562, MONDO:0008667, OMIM 193300. Disease mechanism: loss of function.
Hereditary cancer-predisposing syndrome. Also called: Tumor predisposition; Hereditary neoplastic syndrome; Hereditary Cancer Syndrome; Neoplastic Syndromes, Hereditary. Identifiers: Orphanet 140162, MedGen C0027672, MeSH D009386, MONDO:0015356.
Pheochromocytoma. Also called: MAX-Related Hereditary Paraganglioma-Pheochromocytoma Syndrome. Identifiers: Orphanet 29072, MedGen C0031511, MONDO:0008233, OMIM 171300, HP:0002666.
Nonpapillary renal cell carcinoma. Identifiers: Orphanet 422526, MedGen CN074294, MONDO:0007763, OMIM 144700.
Hereditary pheochromocytoma and paraganglioma. Also called: Hereditary paragangliomas and pheochromocytomas; Hereditary pheochromocytoma-paraganglioma; Hereditary Paraganglioma-Pheochromocytoma Syndromes. Identifiers: Orphanet 29072, MedGen C4274332, MONDO:0017366.

Submissions (6):

GeneDx
Classification: Likely pathogenic. Last evaluated: 2025-08-07. Review status: criteria provided, single submitter. Criteria: GeneDx Variant Classification Process June 2021. Collection method: clinical testing. Allele origin: germline. Affected: yes.
Comment: Not observed at significant frequency in large population cohorts (gnomAD); In silico analysis supports that this missense variant has a deleterious effect on protein structure/function; This variant is associated with the following publications: (PMID: 25683602, 14722919, 12624160, 36905328, 36625343, 39894509, 31528828, 34439168, 31397861, 39688739)

Women's Health and Genetics/Laboratory Corporation of America, LabCorp
Classification: Pathogenic for Hereditary pheochromocytoma and paraganglioma. Last evaluated: 2024-12-25. Review status: criteria provided, single submitter. Criteria: LabCorp Variant Classification Summary - May 2015. Collection method: clinical testing. Allele origin: germline.
Comment: Variant summary: VHL c.371C>T (p.Thr124Ile) results in a non-conservative amino acid change located in the von Hippel-Lindau disease tumour suppressor, beta/alpha domain of the encoded protein sequence. Five of five in-silico tools predict a damaging effect of the variant on protein function. The variant was absent in 251614 control chromosomes. c.371C>T has been reported in the literature in multiple individuals affected with features of VHL-related conditions, specifically Hereditary Paraganglioma-Pheochromocytoma Syndrome (example, Rocha_2003, Martucci_2015, Volkin_2012, Yonamine_2021, Neumann_2019). These data indicate that the variant is very likely to be associated with disease. To our knowledge, no experimental evidence demonstrating an impact on protein function has been reported. The following publications have been ascertained in the context of this evaluation (PMID: 25683602, 31397861, 12624160, 14722919, 23164001, 34439168). ClinVar contains an entry for this variant (Variation ID: 36902). Based on the evidence outlined above, the variant was classified as pathogenic.

Ambry Genetics
Classification: Likely pathogenic for Hereditary cancer-predisposing syndrome. Last evaluated: 2024-03-28. Review status: criteria provided, single submitter. Criteria: Ambry Variant Classification Scheme 2023. Collection method: clinical testing. Allele origin: germline.
Comment: The p.T124I variant (also known as c.371C>T), located in coding exon 2 of the VHL gene, results from a C to T substitution at nucleotide position 371. The threonine at codon 124 is replaced by isoleucine, an amino acid with similar properties. This variant has been observed in multiple individuals with a personal and/or family history that is consistent with von Hippel-Lindau syndrome (Ambry internal data; Rocha JC et al. J Med Genet, 2003 Mar;40:e31; Martucci VL et al. Urol Oncol, 2015 Apr;33:167.e13-20; Yonamine M et al. Cancers (Basel), 2021 Aug;13:). Based on internal structural analysis, this variant is mildly destabilizing to the local structure and it is more disruptive than other nearby pathogenic variants (Ambry internal data). This amino acid position is highly conserved in available vertebrate species. This variant is considered to be rare based on population cohorts in the Genome Aggregation Database (gnomAD). In addition, this alteration is predicted to be deleterious by in silico analysis. Based on the majority of available evidence to date, this variant is likely to be pathogenic.

Labcorp Genetics (formerly Invitae), Labcorp
Classification: Pathogenic for Von Hippel-Lindau syndrome; Chuvash polycythemia. Last evaluated: 2023-02-07. Review status: criteria provided, single submitter. Criteria: Invitae Variant Classification Sherloc (09022015). Collection method: clinical testing. Allele origin: germline.
Comment: For these reasons, this variant has been classified as Pathogenic. This variant disrupts the p.Thr124 amino acid residue in VHL. Other variant(s) that disrupt this residue have been determined to be pathogenic (PMID: 233722956; Invitae). This suggests that this residue is clinically significant, and that variants that disrupt this residue are likely to be disease-causing. Advanced modeling of protein sequence and biophysical properties (such as structural, functional, and spatial information, amino acid conservation, physicochemical variation, residue mobility, and thermodynamic stability) performed at Invitae indicates that this missense variant is expected to disrupt VHL protein function. ClinVar contains an entry for this variant (Variation ID: 36902). This missense change has been observed in individuals with VHL-related conditions (PMID: 12624160, 25683602). This variant is not present in population databases (gnomAD no frequency). This sequence change replaces threonine, which is neutral and polar, with isoleucine, which is neutral and non-polar, at codon 124 of the VHL protein (p.Thr124Ile).

Department of Pathology and Laboratory Medicine, Sinai Health System
Classification: Likely pathogenic for Nonpapillary renal cell carcinoma; Pheochromocytoma; Von Hippel-Lindau syndrome; Chuvash polycythemia. Last evaluated: 2022-12-15. Review status: criteria provided, single submitter. Criteria: ACMG Guidelines, 2015. Collection method: clinical testing. Allele origin: germline. Affected: yes.

PreventionGenetics, part of Exact Sciences
Classification: Likely pathogenic. Last evaluated: 2017-01-23. Review status: criteria provided, single submitter. Criteria: ACMG Guidelines, 2015. Collection method: clinical testing. Allele origin: germline.

Literature cited by the submitters: PubMed 12624160 (cited by 4 submitters); PubMed 14722919 (cited by Women's Health and Genetics/Laboratory Corporation of America, LabCorp); PubMed 23164001 (cited by Women's Health and Genetics/Laboratory Corporation of America, LabCorp); PubMed 31397861 (cited by Women's Health and Genetics/Laboratory Corporation of America, LabCorp); PubMed 34439168 (cited by Women's Health and Genetics/Laboratory Corporation of America, LabCorp and Ambry Genetics); PubMed 25683602 (cited by 3 submitters); PubMed 233722956 (cited by Labcorp Genetics (formerly Invitae), Labcorp).

NM_000551.4(VHL):c.371C>T (p.Thr124Ile)

Genes: VHL (von Hippel-Lindau tumor suppressor; plus strand), LOC107303340 (3p25 von Hippel-Lindau tumor suppressor, E3 ubiquitin protein ligase Alu-mediated recombination region; plus strand). Cytogenetic location: 3p25.3.
Variant type: single nucleotide variant.
Coding change: c.371C>T on transcript NM_000551.4 (MANE Select); coding-DNA position 371, C replaced by T.
Protein change: p.Thr124Ile; replaces threonine 124 with isoleucine.
Molecular consequence: missense variant. On other transcripts: intron variant (2).
Genome position (GRCh38, 1-based): chr3:10,146,544, C>T. VCF-style: chr3-10146544-C-T. GRCh37 (hg19) VCF-style: chr3-10188228-C-T.
Other names: c.*18-3243C>T (NM_001354723.2); c.341-3243C>T (NM_198156.3); short protein forms T124I.
Identifiers: ClinVar variation 36902 (VCV000036902.8), dbSNP rs193922610, ClinGen allele CA020308.